The following is an entry in ClinVar:

NM_000104.4(CYP1B1):c.1412T>G (p.Ile471Ser)

Genes: CYP1B1 (cytochrome P450 family 1 subfamily B member 1; minus strand), LOC128772254 (melanoma risk locus-associated MPRA allelic enhancer 2:38298139; plus strand). Cytogenetic location: 2p22.2.
Variant type: single nucleotide variant.
Coding change: c.1412T>G on transcript NM_000104.4 (MANE Select); coding-DNA position 1412, T replaced by G.
Protein change: p.Ile471Ser; replaces isoleucine 471 with serine.
Molecular consequence: missense variant.
Genome position (GRCh38, 1-based): chr2:38,070,942, A>C on the plus strand (T>G on the coding strand, the complement: CYP1B1 is on the minus strand). VCF-style: chr2-38070942-A-C. GRCh37 (hg19) VCF-style: chr2-38298085-A-C.
Other names: short protein forms I471S.
Identifiers: ClinVar variation 3251434 (VCV003251434.1), dbSNP rs147535955.

ClinVar aggregate classification (germline): Likely pathogenic (1 of 4 stars; one submission).

Conditions:
Primary congenital glaucoma. Also called: Primary congenital glaucoma (disease). Identifiers: MedGen C1533041, MONDO:0000365, HP:0008007.

Submission:

Women's Health and Genetics/Laboratory Corporation of America, LabCorp
Classification: Likely pathogenic for Primary congenital glaucoma. Last evaluated: 2024-04-08. Review status: criteria provided, single submitter. Criteria: LabCorp Variant Classification Summary - May 2015. Collection method: clinical testing. Allele origin: germline.
Comment: Variant summary: CYP1B1 c.1412T>G (p.Ile471Ser) results in a non-conservative amino acid change in the encoded protein sequence. Five of five in-silico tools predict a damaging effect of the variant on protein function. The variant was absent in 251478 control chromosomes. c.1412T>G has been reported in the literature in individuals affected with Primary Congenital Glaucoma. These data indicate that the variant is likely to be associated with disease. To our knowledge, no experimental evidence demonstrating an impact on protein function has been reported. The following publications have been ascertained in the context of this evaluation (PMID: 29540704, 19247456). No submitters have cited clinical-significance assessments for this variant to ClinVar. Based on the evidence outlined above, the variant was classified as likely pathogenic.

Literature cited by the submitters: PubMed 29540704; PubMed 19247456.